The following is an entry in ClinVar:

ClinVar aggregate classification (germline): Uncertain significance (1 of 4 stars; one submission).

gnomAD v4.1: 2 of 1,602,086 alleles (0.00012%); highest among the groups gnomAD compares: Non-Finnish European, 0.00017%; no homozygotes.

Submission:

Ambry Genetics
Classification: Uncertain significance. Last evaluated: 2026-05-04. Review status: criteria provided, single submitter. Criteria: Ambry Variant Classification Scheme 2023. Collection method: clinical testing. Allele origin: germline.
Comment: The p.P645S variant (also known as c.1933C>T), located in coding exon 3 of the CDK12 gene, results from a C to T substitution at nucleotide position 1933. The proline at codon 645 is replaced by serine, an amino acid with similar properties. This amino acid position is conserved. In addition, this alteration is predicted to be tolerated by in silico analysis. Based on the available evidence, the clinical significance of this variant remains unclear.

NM_016507.4(CDK12):c.1933C>T (p.Pro645Ser)

Gene: CDK12 (cyclin dependent kinase 12; plus strand). Cytogenetic location: 17q12.
Variant type: single nucleotide variant.
Coding change: c.1933C>T on transcript NM_016507.4 (MANE Select); coding-DNA position 1933, C replaced by T.
Protein change: p.Pro645Ser; replaces proline 645 with serine.
Molecular consequence: missense variant.
Genome position (GRCh38, 1-based): chr17:39,490,558, C>T. VCF-style: chr17-39490558-C-T. GRCh37 (hg19) VCF-style: chr17-37646811-C-T.
Other names: c.1933C>T, p.Pro645Ser (NM_015083.4); short protein forms P645S.
Identifiers: ClinVar variation 3999567 (VCV003999567.2).